The following is an entry in ClinVar:

ClinVar aggregate classification (germline): Uncertain significance (1 of 4 stars; one submission).

Allele frequency attached by ClinVar (database versions not stated): gnomAD exomes below 0.00001 and 0.00001; TOPMed below 0.00001; ExAC 0.00001; gnomAD 0.00001.

Submission:

GeneDx
Classification: Uncertain significance. Last evaluated: 2019-07-08. Review status: criteria provided, single submitter. Criteria: GeneDx Variant Classification Process June 2021. Collection method: clinical testing. Allele origin: germline. Affected: yes.
Comment: In silico analysis, which includes protein predictors and evolutionary conservation, supports that this variant does not alter protein structure/function; Has not been previously published as pathogenic or benign to our knowledge

NM_170682.4(P2RX2):c.646G>A (p.Ala216Thr)

Gene: P2RX2 (purinergic receptor P2X 2; plus strand). Cytogenetic location: 12q24.33.
Variant type: single nucleotide variant.
Coding change: c.646G>A on transcript NM_170682.4 (MANE Select); coding-DNA position 646, G replaced by A.
Protein change: p.Ala216Thr; replaces alanine 216 with threonine.
Molecular consequence: missense variant.
Genome position (GRCh38, 1-based): chr12:132,620,455, G>A. VCF-style: chr12-132620455-G-A. GRCh37 (hg19) VCF-style: chr12-133197041-G-A.
Other names: c.539G>A, p.Arg180His (NM_001282164.2); c.646G>A, p.Ala216Thr (NM_001282165.2, NM_170683.4, NM_174873.3); c.430G>A, p.Ala144Thr (NM_012226.5); c.574G>A, p.Ala192Thr (NM_016318.4); c.370G>A, p.Ala124Thr (NM_174872.3); short protein forms A124T, A144T, A192T, A216T, R180H.
Identifiers: ClinVar variation 1306826 (VCV001306826.2), dbSNP rs775913429, ClinGen allele CA6891605.
Genomic context (GRCh38, chr12:132,620,455, plus strand): 5'-TGGGAATGGGGTATTTGGGGTGCAGGTCTCGCCTCCTGCCGCCTCCTCAGGGGCAACATC[G>A]CCGACCGCACAGACGGGTACCTGAAGCGCTGCACGTTCCACGAGGCCTCCGACCTCTACT-3'
Protein context (NP_733782.1, residues 206-226): PKFHFSKGNI[Ala216Thr]DRTDGYLKRC